The following is an entry in ClinVar:

ClinVar aggregate classification (germline): Uncertain significance (1 of 4 stars; one submission).

Submission:

Ambry Genetics
Classification: Uncertain significance. Last evaluated: 2025-01-06. Review status: criteria provided, single submitter. Criteria: Ambry Variant Classification Scheme 2023. Collection method: clinical testing. Allele origin: germline.
Comment: The p.D501V variant (also known as c.1502A>T), located in coding exon 6 of the WNK2 gene, results from an A to T substitution at nucleotide position 1502. The aspartic acid at codon 501 is replaced by valine, an amino acid with highly dissimilar properties. This amino acid position is conserved. In addition, the in silico prediction for this alteration is inconclusive. Based on the available evidence, the clinical significance of this variant remains unclear.

NM_006648.4(WNK2):c.1502A>T (p.Asp501Val)

Gene: WNK2 (WNK lysine deficient protein kinase 2; plus strand). Cytogenetic location: 9q22.31.
Variant type: single nucleotide variant.
Coding change: c.1502A>T on transcript NM_006648.4 (MANE Select); coding-DNA position 1502, A replaced by T.
Protein change: p.Asp501Val; replaces aspartic acid 501 with valine.
Molecular consequence: missense variant.
Genome position (GRCh38, 1-based): chr9:93,239,936, A>T. VCF-style: chr9-93239936-A-T. GRCh37 (hg19) VCF-style: chr9-96002218-A-T.
Other names: c.1502A>T, p.Asp501Val (NM_001282394.3); short protein forms D501V.
Identifiers: ClinVar variation 3816768 (VCV003816768.1).